The following is an entry in ClinVar:

ClinVar aggregate classification (germline): Likely benign. Review status: criteria provided, single submitter (1 of 4 stars). 2 submissions from 1 submitter: Likely benign (2). Last evaluated 2018-01-13.

Conditions:
DNA ligase IV deficiency. Identifiers: Orphanet 99812, MedGen C1847827, MONDO:0011686, OMIM 606593.
Severe combined immunodeficiency due to DCLRE1C deficiency (RS-SCID). Also called: SCID, AUTOSOMAL RECESSIVE, T CELL-NEGATIVE, B CELL-NEGATIVE, NK CELL-POSITIVE, WITH SENSITIVITY TO IONIZING RADIATION. Identifiers: Orphanet 275, MedGen C1865371, MONDO:0011225, OMIM 602450.

Allele frequency attached by ClinVar (database versions not stated): gnomAD exomes 0.00029; gnomAD 0.00086 and 0.00087; ExAC 0.00043; TOPMed 0.00087; ESP Exome Variant Server 0.00124; 1000 Genomes Project 0.00180; 1000 Genomes Project 30x 0.00250.
gnomAD v4.1: 271 of 1,362,788 alleles (0.02%); highest among the groups gnomAD compares: African/African-American, 0.29%; no homozygotes.

Submissions (2):

Illumina Laboratory Services, Illumina
Classification: Likely benign for Severe combined immunodeficiency due to DCLRE1C deficiency. Last evaluated: 2018-01-13. Review status: criteria provided, single submitter. Criteria: ICSL Variant Classification Criteria 13 December 2019. Collection method: clinical testing. Allele origin: germline.
Comment: This variant was observed in the ICSL laboratory as part of a predisposition screen in an ostensibly healthy population. It had not been previously curated by ICSL or reported in the Human Gene Mutation Database (HGMD: prior to June 1st, 2018), and was therefore a candidate for classification through an automated scoring system. Utilizing variant allele frequency, disease prevalence and penetrance estimates, and inheritance mode, an automated score was calculated to assess if this variant is too frequent to cause the disease. Based on the score and internal cut-off values, a variant classified as likely benign is not then subjected to further curation. The score for this variant resulted in a classification of likely benign for this disease.

Illumina Laboratory Services, Illumina
Classification: Likely benign for DNA ligase IV deficiency. Last evaluated: 2018-01-13. Review status: criteria provided, single submitter. Criteria: ICSL Variant Classification Criteria 13 December 2019. Collection method: clinical testing. Allele origin: germline.
Comment: the same text as in the submission from Illumina Laboratory Services, Illumina above.

NM_206937.2(LIG4):c.*34T>G

Gene: LIG4 (DNA ligase 4; minus strand). Cytogenetic location: 13q33.3.
Variant type: single nucleotide variant.
Coding change: c.*34T>G on transcript NM_206937.2 (MANE Select); 34 bases downstream of the stop codon, T replaced by G.
Molecular consequence: 3 prime UTR variant.
Genome position (GRCh38, 1-based): chr13:108,208,499, A>C on the plus strand (T>G on the coding strand, the complement: LIG4 is on the minus strand). VCF-style: chr13-108208499-A-C. GRCh37 (hg19) VCF-style: chr13-108860847-A-C.
Other names: c.*34T>G (NM_001098268.2, NM_001330595.2, NM_001352598.2 and 8 more transcripts).
Identifiers: ClinVar variation 310971 (VCV000310971.5), dbSNP rs369320737, ClinGen allele CA7043430.
Genomic context (GRCh38, chr13:108,208,499, plus strand): 5'-ATACAAAAATAAAATGTAGTTTAGTATTTTATCATTACCACCTGCTGCAATGAGTCTGCC[A>C]GATCAGAGGCTTTCCTCACTAGGAAACCTAGCTTTAAATCAAATACTGGTTTTCTTCTTG-3'